The following is an entry in ClinVar:

ClinVar aggregate classification (germline): Likely benign. Review status: criteria provided, single submitter (1 of 4 stars). 2 submissions from 2 submitters: Likely benign (1). 1 of the submissions does not count toward it. Last evaluated 2025-10-14.

Conditions:
DNAAF5-related disorder. Also called: DNAAF5-related condition.
Primary ciliary dyskinesia. Also called: Ciliary dyskinesia. Identifiers: Orphanet 244, MedGen C0008780, MONDO:0016575, HP:0012265.

gnomAD v4.1: 8 of 1,613,582 alleles (0.0005%); highest among the groups gnomAD compares: African/African-American, 0.0013%; no homozygotes.

Submissions (2):

Labcorp Genetics (formerly Invitae), Labcorp
Classification: Likely benign for Primary ciliary dyskinesia. Last evaluated: 2025-10-14. Review status: criteria provided, single submitter. Criteria: Invitae Variant Classification Sherloc (09022015). Collection method: clinical testing. Allele origin: germline.

PreventionGenetics, part of Exact Sciences
Classification: Likely benign for DNAAF5-related condition. Last evaluated: 2024-01-02. Review status: no assertion criteria provided. Collection method: clinical testing. Allele origin: germline. Not counted in ClinVar's aggregate classification.
Comment: This variant is classified as likely benign based on ACMG/AMP sequence variant interpretation guidelines (Richards et al. 2015 PMID: 25741868, with internal and published modifications).

NM_017802.4(DNAAF5):c.1170C>T (p.Ala390=)

Gene: DNAAF5 (dynein axonemal assembly factor 5; plus strand). Cytogenetic location: 7p22.3.
Variant type: single nucleotide variant.
Coding change: c.1170C>T on transcript NM_017802.4 (MANE Select); coding-DNA position 1170, C replaced by T.
Protein change: p.Ala390=; no amino-acid change (alanine 390 retained).
Molecular consequence: synonymous variant. On other transcripts: non-coding transcript variant (1).
Genome position (GRCh38, 1-based): chr7:754,734, C>T. VCF-style: chr7-754734-C-T. GRCh37 (hg19) VCF-style: chr7-794371-C-T.
Other names: c.1170C>T (NM_017802.3).
Identifiers: ClinVar variation 2905335 (VCV002905335.5), dbSNP rs746393600, ClinGen allele CA453617002.